The following is an entry in ClinVar:

NM_001034853.2(RPGR):c.1561C>G (p.Gln521Glu)

Gene: RPGR (retinitis pigmentosa GTPase regulator; minus strand). Cytogenetic location: Xp11.4.
Variant type: single nucleotide variant.
Coding change: c.1561C>G on transcript NM_001034853.2 (MANE Select); coding-DNA position 1561, C replaced by G.
Protein change: p.Gln521Glu; replaces glutamine 521 with glutamic acid.
Molecular consequence: missense variant. On other transcripts: non-coding transcript variant (6).
Genome position (GRCh38, 1-based): chrX:38,290,970, G>C on the plus strand (C>G on the coding strand, the complement: RPGR is on the minus strand). VCF-style: chrX-38290970-G-C. GRCh37 (hg19) VCF-style: chrX-38150223-G-C.
Other names: c.1561C>G, p.Gln521Glu (NM_000328.3, NM_001367247.1); c.1558C>G, p.Gln520Glu (NM_001367245.1, NM_001367249.1, NM_001367250.1); c.1375C>G, p.Gln459Glu (NM_001367246.1, NM_001367251.1); c.1591C>G, p.Gln531Glu (NM_001367248.1); short protein forms Q459E, Q520E, Q521E, Q531E.
Identifiers: ClinVar variation 3907481 (VCV003907481.2).
Genomic context (GRCh38, chrX:38,290,970, plus strand): 5'-CTTAAACTGCTCTCACCAACAATAACGAAAATAAATCTTCATATTATACCTTTTGTTTCT[G>C]AACTGGTGATAATTTTAATGACTTTTCATTGGAATTCAGGCTCATGATGTGTGTCTGAAA-3'
Protein context (NP_001030025.1, residues 511-531): NEKSLKLSPV[Gln521Glu]KQKKQQTIGE

ClinVar aggregate classification (germline): Conflicting classifications of pathogenicity. Review status: criteria provided, conflicting classifications (1 of 4 stars). 2 submissions from 2 submitters: Uncertain significance (1); Likely benign (1). Last evaluated 2026-01-27.

Conditions:
Primary ciliary dyskinesia. Also called: Ciliary dyskinesia. Identifiers: Orphanet 244, MedGen C0008780, MONDO:0016575, HP:0012265.

gnomAD v4.1: 10 of 1,056,454 alleles (0.00095%); highest among the groups gnomAD compares: East Asian, 0.029%; no homozygotes.

Submissions (2):

Labcorp Genetics (formerly Invitae), Labcorp
Classification: Likely benign for Primary ciliary dyskinesia. Last evaluated: 2026-01-27. Review status: criteria provided, single submitter. Criteria: Invitae Variant Classification Sherloc (09022015). Collection method: clinical testing. Allele origin: germline.

Women's Health and Genetics/Laboratory Corporation of America, LabCorp
Classification: Uncertain significance. Last evaluated: 2025-06-02. Review status: criteria provided, single submitter. Criteria: LabCorp Variant Classification Summary - May 2015. Collection method: clinical testing. Allele origin: germline.
Comment: Variant summary: RPGR c.1561C>G (p.Gln521Glu) results in a conservative amino acid change in the encoded protein sequence. Algorithms developed to predict the effect of missense changes on protein structure and function are either unavailable or do not agree on the potential impact of this missense change. The variant allele was found at a frequency of 2.9e-05 in 171108 control chromosomes. The available data on variant occurrences in the general population are insufficient to allow any conclusion about variant significance. c.1561C>G has been observed in unspecified individual(s) affected with Retinitis Pigmentosa, X-Linked without clinical information (Wu_2024). These report(s) do not provide unequivocal conclusions about association of the variant with Retinitis Pigmentosa, X-Linked. To our knowledge, no experimental evidence demonstrating an impact on protein function has been reported. The following publication have been ascertained in the context of this evaluation (PMID: 39153854). No submitters have cited clinical-significance assessments for this variant to ClinVar. Based on the evidence outlined above, the variant was classified as uncertain significance.

Literature cited by the submitters: PubMed 39153854 (cited by Women's Health and Genetics/Laboratory Corporation of America, LabCorp).